The following is an entry in ClinVar:

NM_001008537.3(NEXMIF):c.361G>A (p.Ala121Thr)

Gene: NEXMIF (neurite extension and migration factor; minus strand). Cytogenetic location: Xq13.3.
Variant type: single nucleotide variant.
Coding change: c.361G>A on transcript NM_001008537.3 (MANE Select); coding-DNA position 361, G replaced by A.
Protein change: p.Ala121Thr; replaces alanine 121 with threonine.
Molecular consequence: missense variant.
Genome position (GRCh38, 1-based): chrX:74,744,196, C>T on the plus strand (G>A on the coding strand, the complement: NEXMIF is on the minus strand). VCF-style: chrX-74744196-C-T. GRCh37 (hg19) VCF-style: chrX-73964031-C-T.
Other names: short protein forms A121T.
Identifiers: ClinVar variation 646311 (VCV000646311.12), dbSNP rs769778503, ClinGen allele CA413673704.
Genomic context (GRCh38, chrX:74,744,196, plus strand): 5'-GCATGAGACAGTCCCCATTCAGAGCTGACATGCCTGCAGGCTCCATTATGGCAAATGGAG[C>T]TTTCTCACATTCATTGGGAAGTGACCATGTGTTCAGGCCTTTTGCAATGCCAGATGTGAG-3'
Protein context (NP_001008537.1, residues 111-131): TWSLPNECEK[Ala121Thr]PFAIMEPAGM

ClinVar aggregate classification (germline): Uncertain significance. Review status: criteria provided, multiple submitters, no conflicts (2 of 4 stars). 2 submissions from 2 submitters: Uncertain significance (2). Last evaluated 2022-04-22.

Allele frequency attached by ClinVar (database versions not stated): gnomAD 0.00001.
gnomAD v4.1: 1 of 1,209,588 alleles (0.000083%); highest among the groups gnomAD compares: Admixed American, 0.0022%; no homozygotes.

Submissions (2):

GeneDx
Classification: Uncertain significance. Last evaluated: 2022-04-22. Review status: criteria provided, single submitter. Criteria: GeneDx Variant Classification Process June 2021. Collection method: clinical testing. Allele origin: germline. Affected: yes.
Comment: Not observed at significant frequency in large population cohorts (gnomAD); In silico analysis supports that this missense variant does not alter protein structure/function; Has not been previously published as pathogenic or benign to our knowledge

Labcorp Genetics (formerly Invitae), Labcorp
Classification: Uncertain significance. Last evaluated: 2019-12-19. Review status: criteria provided, single submitter. Criteria: Invitae Variant Classification Sherloc (09022015). Collection method: clinical testing. Allele origin: germline.
Comment: This sequence change replaces alanine with threonine at codon 121 of the NEXMIF protein (p.Ala121Thr). The alanine residue is highly conserved and there is a small physicochemical difference between alanine and threonine. This variant is not present in population databases (ExAC no frequency). This variant has not been reported in the literature in individuals with NEXMIF-related conditions. Algorithms developed to predict the effect of missense changes on protein structure and function output the following: SIFT: "Tolerated"; PolyPhen-2: "Benign"; Align-GVGD: "Class C0". The threonine amino acid residue is found in multiple mammalian species, suggesting that this missense change does not adversely affect protein function. These predictions have not been confirmed by published functional studies and their clinical significance is uncertain. In summary, the available evidence is currently insufficient to determine the role of this variant in disease. Therefore, it has been classified as a Variant of Uncertain Significance.